The following is an entry in ClinVar:

NM_004370.6(COL12A1):c.4701C>G (p.Pro1567=)

Gene: COL12A1 (collagen type XII alpha 1 chain; minus strand). Cytogenetic location: 6q13.
Variant type: single nucleotide variant.
Coding change: c.4701C>G on transcript NM_004370.6 (MANE Select); coding-DNA position 4701, C replaced by G.
Protein change: p.Pro1567=; no amino-acid change (proline 1567 retained).
Molecular consequence: synonymous variant.
Genome position (GRCh38, 1-based): chr6:75,143,378, G>C on the plus strand (C>G on the coding strand, the complement: COL12A1 is on the minus strand). VCF-style: chr6-75143378-G-C. GRCh37 (hg19) VCF-style: chr6-75853094-G-C.
Other names: c.1209C>G, p.Pro403= (NM_080645.3).
Identifiers: ClinVar variation 542501 (VCV000542501.50), dbSNP rs17791238, ClinGen allele CA3893363.

ClinVar aggregate classification (germline): Likely benign. Review status: criteria provided, multiple submitters, no conflicts (2 of 4 stars). 5 submissions from 5 submitters: Likely benign (4). 1 of the submissions does not count toward it. Last evaluated 2026-01-25.

Conditions:
COL12A1-related disorder. Also called: COL12A1-related condition.
Ullrich congenital muscular dystrophy 2 (UCMD2). Identifiers: Orphanet 75840, MedGen C4225314, MONDO:0014654, OMIM 616470.
Bethlem myopathy 2 (BTHLM2). Identifiers: Orphanet 536516, Orphanet 610, MedGen C4225313, MONDO:0034022, OMIM 616471.

Allele frequency attached by ClinVar (database versions not stated): TOPMed 0.00013; ESP Exome Variant Server 0.00017.
gnomAD v4.1: 160 of 1,613,178 alleles (0.0099%); highest among the groups gnomAD compares: Non-Finnish European, 0.012%; no homozygotes.

Submissions (5):

Labcorp Genetics (formerly Invitae), Labcorp
Classification: Likely benign for Bethlem myopathy 2; Ullrich congenital muscular dystrophy 2. Last evaluated: 2026-01-25. Review status: criteria provided, single submitter. Criteria: Invitae Variant Classification Sherloc (09022015). Collection method: clinical testing. Allele origin: germline.

Women's Health and Genetics/Laboratory Corporation of America, LabCorp
Classification: Likely benign. Last evaluated: 2025-05-27. Review status: criteria provided, single submitter. Criteria: LabCorp Variant Classification Summary - May 2015. Collection method: clinical testing. Allele origin: germline.

GeneDx
Classification: Likely benign. Last evaluated: 2020-10-20. Review status: criteria provided, single submitter. Criteria: GeneDx Variant Classification Process June 2021. Collection method: clinical testing. Allele origin: germline. Affected: yes.

CeGaT Center for Human Genetics Tuebingen
Classification: Likely benign. Last evaluated: 2020-07-01. Review status: criteria provided, single submitter. Criteria: CeGaT Center For Human Genetics Tuebingen Variant Classification Criteria Version 2. Collection method: clinical testing. Allele origin: germline. Affected: yes. Observed: 1 variant allele.

PreventionGenetics, part of Exact Sciences
Classification: Likely benign for COL12A1-related condition. Last evaluated: 2019-05-20. Review status: no assertion criteria provided. Collection method: clinical testing. Allele origin: germline. Not counted in ClinVar's aggregate classification.
Comment: This variant is classified as likely benign based on ACMG/AMP sequence variant interpretation guidelines (Richards et al. 2015 PMID: 25741868, with internal and published modifications).